The following is an entry in ClinVar:

ClinVar aggregate classification (germline): Likely benign. Review status: criteria provided, multiple submitters, no conflicts (2 of 4 stars). 2 submissions from 2 submitters: Likely benign (2). Last evaluated 2024-11-26.

Allele frequency attached by ClinVar (database versions not stated): ExAC 0.00023; gnomAD 0.00026; 1000 Genomes Project 30x 0.00094; 1000 Genomes Project 0.00339.
gnomAD v4.1: 321 of 1,613,716 alleles (0.02%); highest among the groups gnomAD compares: South Asian, 0.072%; 1 homozygote.

Submissions (2):

Blueprint Genetics
Classification: Likely benign. Last evaluated: 2024-11-26. Review status: criteria provided, single submitter. Criteria: ACMG Guidelines, 2015. Collection method: clinical testing. Allele origin: germline.

CeGaT Center for Human Genetics Tuebingen
Classification: Likely benign. Last evaluated: 2023-06-01. Review status: criteria provided, single submitter. Criteria: CeGaT Center For Human Genetics Tuebingen Variant Classification Criteria Version 2. Collection method: clinical testing. Allele origin: germline. Affected: yes. Observed: 1 variant allele.
Comment: FUT6: BP4, BP7

NM_000150.4(FUT6):c.585A>G (p.Ala195=)

Gene: FUT6 (fucosyltransferase 6; minus strand). Cytogenetic location: 19p13.3.
Variant type: single nucleotide variant.
Coding change: c.585A>G on transcript NM_000150.4 (MANE Select); coding-DNA position 585, A replaced by G.
Protein change: p.Ala195=; no amino-acid change (alanine 195 retained).
Molecular consequence: synonymous variant.
Genome position (GRCh38, 1-based): chr19:5,831,983, T>C on the plus strand (A>G on the coding strand, the complement: FUT6 is on the minus strand). VCF-style: chr19-5831983-T-C. GRCh37 (hg19) VCF-style: chr19-5831994-T-C.
Other names: c.585A>G, p.Ala195= (NM_001040701.2, NM_001369502.1, NM_001369504.1 and 6 more transcripts).
Identifiers: ClinVar variation 2649126 (VCV002649126.25), dbSNP rs401508, ClinGen allele CA9117955.